The following is an entry in ClinVar:

ClinVar aggregate classification (germline): Benign (1 of 4 stars; one submission).

Conditions:
Familial cancer of breast. Also called: hereditary breast carcinoma; Hereditary breast cancer; BREAST CANCER, FAMILIAL. Identifiers: Orphanet 227535, MedGen C0346153, MONDO:0016419, OMIM 114480. Disease mechanism: loss of function.

Submission:

Myriad Genetics, Inc.
Classification: Benign for Familial cancer of breast. Last evaluated: 2024-09-04. Review status: criteria provided, single submitter. Criteria: Myriad Autosomal Dominant, Autosomal Recessive and X-Linked Classification Criteria (2023). Collection method: clinical testing. Allele origin: unknown.
Comment: This variant is considered benign. This variant is a silent/synonymous amino acid change and it is not expected to impact splicing.

NM_032043.3(BRIP1):c.2307G>C (p.Leu769=)

Gene: BRIP1 (BRCA1 interacting DNA helicase 1; minus strand). Cytogenetic location: 17q23.2.
Variant type: single nucleotide variant.
Coding change: c.2307G>C on transcript NM_032043.3 (MANE Select); coding-DNA position 2307, G replaced by C.
Protein change: p.Leu769=; no amino-acid change (leucine 769 retained).
Molecular consequence: synonymous variant.
Genome position (GRCh38, 1-based): chr17:61,743,085, C>G on the plus strand (G>C on the coding strand, the complement: BRIP1 is on the minus strand). VCF-style: chr17-61743085-C-G. GRCh37 (hg19) VCF-style: chr17-59820446-C-G.
Identifiers: ClinVar variation 3378536 (VCV003378536.1).